The following is an entry in ClinVar:

NM_001127208.3(TET2):c.1540C>T (p.His514Tyr)

Genes: TET2 (tet methylcytosine dioxygenase 2; plus strand), TET2-AS1 (TET2 antisense RNA 1; minus strand). Cytogenetic location: 4q24.
Variant type: single nucleotide variant.
Coding change: c.1540C>T on transcript NM_001127208.3 (MANE Select); coding-DNA position 1540, C replaced by T.
Protein change: p.His514Tyr; replaces histidine 514 with tyrosine.
Molecular consequence: missense variant.
Genome position (GRCh38, 1-based): chr4:105,235,482, C>T. VCF-style: chr4-105235482-C-T. GRCh37 (hg19) VCF-style: chr4-106156639-C-T.
Other names: c.1540C>T, p.His514Tyr (NM_017628.4); short protein forms H514Y.
Identifiers: ClinVar variation 3455286 (VCV003455286.1).

ClinVar aggregate classification (germline): Uncertain significance (1 of 4 stars; one submission).

gnomAD v4.1: 2 of 1,614,058 alleles (0.00012%); highest among the groups gnomAD compares: African/African-American, 0.0027%; no homozygotes.

Submission:

Ambry Genetics
Classification: Uncertain significance. Last evaluated: 2024-10-15. Review status: criteria provided, single submitter. Criteria: Ambry Variant Classification Scheme 2023. Collection method: clinical testing. Allele origin: germline.
Comment: The p.H514Y variant (also known as c.1540C>T), located in coding exon 1 of the TET2 gene, results from a C to T substitution at nucleotide position 1540. The histidine at codon 514 is replaced by tyrosine, an amino acid with similar properties. This amino acid position is conserved. In addition, this alteration is predicted to be tolerated by in silico analysis. Based on the available evidence, the clinical significance of this variant remains unclear.